The following is an entry in ClinVar:

ClinVar aggregate classification (germline): Uncertain significance. Review status: criteria provided, multiple submitters, no conflicts (2 of 4 stars). 2 submissions from 2 submitters: Uncertain significance (2). Last evaluated 2023-08-18.

Allele frequency attached by ClinVar (database versions not stated): TOPMed 0.00001; ExAC 0.00004.

Submissions (2):

Blueprint Genetics
Classification: Uncertain significance. Last evaluated: 2023-08-18. Review status: criteria provided, single submitter. Criteria: ACMG Guidelines, 2015. Collection method: clinical testing. Allele origin: germline.

Centre for Mendelian Genomics, University Medical Centre Ljubljana
Classification: Uncertain significance. Last evaluated: 2016-01-01. Review status: criteria provided, single submitter. Criteria: ACMG Guidelines, 2015. Collection method: clinical testing. Allele origin: unknown. Affected: yes.
Comment: This variant was classified as: Uncertain significance. The following ACMG criteria were applied in classifying this variant: PP3.

NM_001288705.3(CSF1R):c.2916C>G (p.Cys972Trp)

Gene: CSF1R (colony stimulating factor 1 receptor; minus strand). Cytogenetic location: 5q32.
Variant type: single nucleotide variant.
Coding change: c.2916C>G on transcript NM_001288705.3 (MANE Select); coding-DNA position 2916, C replaced by G.
Protein change: p.Cys972Trp; replaces cysteine 972 with tryptophan.
Molecular consequence: missense variant. On other transcripts: non-coding transcript variant (2).
Genome position (GRCh38, 1-based): chr5:150,054,072, G>C on the plus strand (C>G on the coding strand, the complement: CSF1R is on the minus strand). VCF-style: chr5-150054072-G-C. GRCh37 (hg19) VCF-style: chr5-149433635-G-C.
Other names: c.2916C>G, p.Cys972Trp (NM_001349736.2, NM_001375320.1, NM_005211.4); c.2472C>G, p.Cys824Trp (NM_001375321.1); short protein forms C824W, C972W.
Identifiers: ClinVar variation 931000 (VCV000931000.4), dbSNP rs771254626, ClinGen allele CA3506285.